The following is an entry in ClinVar:

NM_000057.4(BLM):c.114A>G (p.Lys38=)

Gene: BLM (BLM RecQ like helicase; plus strand). Cytogenetic location: 15q26.1.
Variant type: single nucleotide variant.
Coding change: c.114A>G on transcript NM_000057.4 (MANE Select); coding-DNA position 114, A replaced by G.
Protein change: p.Lys38=; no amino-acid change (lysine 38 retained).
Molecular consequence: synonymous variant. On other transcripts: 5 prime UTR variant (1).
Genome position (GRCh38, 1-based): chr15:90,749,382, A>G. VCF-style: chr15-90749382-A-G. GRCh37 (hg19) VCF-style: chr15-91292612-A-G.
Other names: c.114A>G, p.Lys38= (NM_001287246.2, NM_001287247.2); c.-1178A>G (NM_001287248.2).
Identifiers: ClinVar variation 454066 (VCV000454066.25), dbSNP rs770017301, ClinGen allele CA7738246.

ClinVar aggregate classification (germline): Benign/Likely benign. Review status: criteria provided, multiple submitters, no conflicts (2 of 4 stars). 6 submissions from 6 submitters: Benign (2); Likely benign (3). 1 of the submissions does not count toward it. Last evaluated 2026-02-02.

Conditions:
BLM-related disorder. Also called: BLM-related condition.
Hereditary cancer-predisposing syndrome. Also called: Neoplastic Syndromes, Hereditary; Hereditary Cancer Syndrome; Hereditary neoplastic syndrome; Tumor predisposition. Identifiers: Orphanet 140162, MedGen C0027672, MeSH D009386, MONDO:0015356.
Bloom syndrome (BLM). Also called: Bloom-Torre-Machacek syndrome. Identifiers: Orphanet 125, MedGen C0005859, MONDO:0008876, OMIM 210900.

Allele frequency attached by ClinVar (database versions not stated): gnomAD exomes 0.00004 and 0.00006; gnomAD 0.00006; TOPMed 0.00006; ExAC 0.00009.
gnomAD v4.1: 72 of 1,604,044 alleles (0.0045%); highest among the groups gnomAD compares: Admixed American, 0.013%; no homozygotes.

Submissions (6):

Labcorp Genetics (formerly Invitae), Labcorp
Classification: Likely benign for Bloom syndrome. Last evaluated: 2026-02-02. Review status: criteria provided, single submitter. Criteria: Invitae Variant Classification Sherloc (09022015). Collection method: clinical testing. Allele origin: germline.

Ambry Genetics
Classification: Likely benign for Hereditary cancer-predisposing syndrome. Last evaluated: 2025-05-23. Review status: criteria provided, single submitter. Criteria: Ambry Variant Classification Scheme 2023. Collection method: clinical testing. Allele origin: germline.

KCCC/NGS Laboratory, Kuwait Cancer Control Center
Classification: Benign for Bloom syndrome. Last evaluated: 2025-02-01. Review status: criteria provided, single submitter. Criteria: ACMG Guidelines, 2015. Collection method: clinical testing. Allele origin: germline. Affected: no.

Blueprint Genetics
Classification: Likely benign. Last evaluated: 2024-10-08. Review status: criteria provided, single submitter. Criteria: ACMG Guidelines, 2015. Collection method: clinical testing. Allele origin: germline.

Mendelics
Classification: Benign for Bloom syndrome. Last evaluated: 2023-08-22. Review status: criteria provided, single submitter. Criteria: Mendelics Assertion Criteria 2019. Collection method: clinical testing. Allele origin: germline.

PreventionGenetics, part of Exact Sciences
Classification: Likely benign for BLM-related condition. Last evaluated: 2022-03-17. Review status: no assertion criteria provided. Collection method: clinical testing. Allele origin: germline. Not counted in ClinVar's aggregate classification.
Comment: This variant is classified as likely benign based on ACMG/AMP sequence variant interpretation guidelines (Richards et al. 2015 PMID: 25741868, with internal and published modifications).